The following is an entry in ClinVar:

NM_000179.3(MSH6):c.2290dup (p.Thr764fs)

Gene: MSH6 (mutS homolog 6; plus strand). Cytogenetic location: 2p16.3.
Variant type: Duplication.
Coding change: c.2290dup on transcript NM_000179.3 (MANE Select); coding-DNA position 2290, one base duplicated (A; older notation c.2290dupA).
Protein change: p.Thr764fs; shifts the reading frame from threonine 764.
Molecular consequence: frameshift variant.
Genome position (GRCh38, 1-based): chr2:47,800,273, A duplicated. VCF-style (leftmost placement, unchanged base first): chr2-47800272-T-TA. GRCh37 (hg19) VCF-style: chr2-48027411-T-TA.
Other names: c.1900dup, p.Thr634fs (NM_001281492.2); c.1384dup, p.Thr462fs (NM_001281493.2, NM_001281494.2); c.2290dupA (NM_000179.2, NM_000179.3); short protein forms T764fs, T634fs, T462fs.
Identifiers: ClinVar variation 479967 (VCV000479967.20), dbSNP rs1553413663, ClinGen allele CA658655810.

ClinVar aggregate classification (germline): Pathogenic. Review status: criteria provided, multiple submitters, no conflicts (2 of 4 stars). 6 submissions from 6 submitters: Pathogenic (6). Last evaluated 2024-09-27.

Conditions:
Hereditary nonpolyposis colorectal neoplasms. Identifiers: MedGen C0009405, MeSH D003123.
Hereditary nonpolyposis colon cancer (HNPCC). Also called: Hereditary nonpolyposis colorectal cancer; Familial nonpolyposis colon cancer; Hereditary Nonpolyposis Colorectal Cancer Syndrome. Identifiers: Orphanet 443909, MedGen C1333990, MONDO:0018630. Disease mechanism: loss of function.
Lynch syndrome 5 (LYNCH5). Also called: Colorectal cancer, hereditary nonpolyposis, type 5; Hereditary non-polyposis colorectal cancer, type 5. Identifiers: Orphanet 144, MedGen C1833477, MONDO:0013710, OMIM 614350. Disease mechanism: loss of function.
Hereditary cancer-predisposing syndrome. Also called: Hereditary Cancer Syndrome; Neoplastic Syndromes, Hereditary; Tumor predisposition; Hereditary neoplastic syndrome. Identifiers: Orphanet 140162, MedGen C0027672, MeSH D009386, MONDO:0015356.

Allele frequency attached by ClinVar (database versions not stated): gnomAD exomes below 0.00001.

Submissions (6):

Ambry Genetics
Classification: Pathogenic for Hereditary cancer-predisposing syndrome. Last evaluated: 2024-09-27. Review status: criteria provided, single submitter. Criteria: Ambry Variant Classification Scheme 2023. Collection method: clinical testing. Allele origin: germline.
Comment: The c.2290dupA pathogenic mutation, located in coding exon 4 of the MSH6 gene, results from a duplication of A at nucleotide position 2290, causing a translational frameshift with a predicted alternate stop codon (p.T764Nfs*8). This variant is considered to be rare based on population cohorts in the Genome Aggregation Database (gnomAD). This alteration is expected to result in loss of function by premature protein truncation or nonsense-mediated mRNA decay. As such, this alteration is interpreted as a disease-causing mutation.

Women's Health and Genetics/Laboratory Corporation of America, LabCorp
Classification: Pathogenic for Hereditary nonpolyposis colon cancer. Last evaluated: 2024-08-09. Review status: criteria provided, single submitter. Criteria: LabCorp Variant Classification Summary - May 2015. Collection method: clinical testing. Allele origin: germline.
Comment: Variant summary: MSH6 c.2290dupA (p.Thr764AsnfsX8) results in a premature termination codon, predicted to cause a truncation of the encoded protein or absence of the protein due to nonsense mediated decay, which are commonly known mechanisms for disease. The variant was absent in 251148 control chromosomes. c.2290dupA has been reported in the literature in at-least one individual affected with Lynch Syndrome (example: Yang_2021). The following publication has been ascertained in the context of this evaluation (PMID: 34178123). ClinVar contains an entry for this variant (Variation ID: 479967). Based on the evidence outlined above, the variant was classified as pathogenic.

Labcorp Genetics (formerly Invitae), Labcorp
Classification: Pathogenic for Hereditary nonpolyposis colorectal neoplasms. Last evaluated: 2024-06-13. Review status: criteria provided, single submitter. Criteria: Invitae Variant Classification Sherloc (09022015). Collection method: clinical testing. Allele origin: germline.
Comment: This sequence change creates a premature translational stop signal (p.Thr764Asnfs*8) in the MSH6 gene. It is expected to result in an absent or disrupted protein product. Loss-of-function variants in MSH6 are known to be pathogenic (PMID: 18269114, 24362816). This variant is not present in population databases (gnomAD no frequency). This variant has not been reported in the literature in individuals affected with MSH6-related conditions. ClinVar contains an entry for this variant (Variation ID: 479967). For these reasons, this variant has been classified as Pathogenic.

Color Diagnostics, LLC DBA Color Health
Classification: Pathogenic for Hereditary cancer-predisposing syndrome. Last evaluated: 2023-12-21. Review status: criteria provided, single submitter. Criteria: ACMG Guidelines, 2015. Collection method: clinical testing. Allele origin: germline.
Comment: This variant inserts 1 nucleotide in exon 4 of the MSH6 gene, creating a frameshift and premature translation stop signal. This variant is expected to result in an absent or non-functional protein product. To our knowledge, this variant has not been reported in individuals affected with MSH6-related disorders in the literature. This variant has not been identified in the general population by the Genome Aggregation Database (gnomAD). Loss of MSH6 function is a known mechanism of disease. Based on the available evidence, this variant is classified as Pathogenic.

Myriad Genetics, Inc.
Classification: Pathogenic for Lynch syndrome 5. Last evaluated: 2023-08-16. Review status: criteria provided, single submitter. Criteria: Myriad Autosomal Dominant, Autosomal Recessive and X-Linked Classification Criteria (2023). Collection method: clinical testing. Allele origin: unknown.
Comment: This variant is considered pathogenic. This variant creates a frameshift predicted to result in premature protein truncation.

GeneDx
Classification: Pathogenic. Last evaluated: 2017-11-03. Review status: criteria provided, single submitter. Criteria: GeneDx Variant Classification (06012015). Collection method: clinical testing. Allele origin: germline. Affected: yes.
Comment: This duplication of one nucleotide in MSH6 is denoted c.2290dupA at the cDNA level and p.Thr764AsnfsX8 (T764NfsX8) at the protein level. The normal sequence, with the base that is duplicated in brackets, is TGAT[dupA]CTTG. The duplication causes a frameshift which changes a Threonine to an Asparagine at codon 764, and creates a premature stop codon at position 8 of the new reading frame. Although this variant has not, to our knowledge, been reported in the literature, it is predicted to cause loss of normal protein function through either protein truncation or nonsense-mediated mRNA decay. We consider this variant to be pathogenic.

Literature cited by the submitters: PubMed 34178123 (cited by Women's Health and Genetics/Laboratory Corporation of America, LabCorp); PubMed 18269114 (cited by Labcorp Genetics (formerly Invitae), Labcorp); PubMed 24362816 (cited by Labcorp Genetics (formerly Invitae), Labcorp).